The following is an entry in ClinVar:

NM_004370.6(COL12A1):c.3059C>T (p.Pro1020Leu)

Gene: COL12A1 (collagen type XII alpha 1 chain; minus strand). Cytogenetic location: 6q13.
Variant type: single nucleotide variant.
Coding change: c.3059C>T on transcript NM_004370.6 (MANE Select); coding-DNA position 3059, C replaced by T.
Protein change: p.Pro1020Leu; replaces proline 1020 with leucine.
Molecular consequence: missense variant. On other transcripts: intron variant (2).
Genome position (GRCh38, 1-based): chr6:75,156,448, G>A on the plus strand (C>T on the coding strand, the complement: COL12A1 is on the minus strand). VCF-style: chr6-75156448-G-A. GRCh37 (hg19) VCF-style: chr6-75866164-G-A.
Other names: c.3059C>T, p.Pro1020Leu (NM_001424113.1, NM_001424114.1); c.2786C>T, p.Pro929Leu (NM_001424115.1); c.74-3966C>T (NM_001424116.1, NM_080645.3); short protein forms P1020L, P929L.
Identifiers: ClinVar variation 3758366 (VCV003758366.2).

ClinVar aggregate classification (germline): Uncertain significance (1 of 4 stars; one submission).

Conditions:
Ullrich congenital muscular dystrophy 2 (UCMD2). Identifiers: Orphanet 75840, MedGen C4225314, MONDO:0014654, OMIM 616470.
Bethlem myopathy 2 (BTHLM2). Identifiers: Orphanet 536516, Orphanet 610, MedGen C4225313, MONDO:0034022, OMIM 616471.

Submission:

Labcorp Genetics (formerly Invitae), Labcorp
Classification: Uncertain significance for Bethlem myopathy 2; Ullrich congenital muscular dystrophy 2. Last evaluated: 2024-09-18. Review status: criteria provided, single submitter. Criteria: Invitae Variant Classification Sherloc (09022015). Collection method: clinical testing. Allele origin: germline.
Comment: This sequence change replaces proline, which is neutral and non-polar, with leucine, which is neutral and non-polar, at codon 1020 of the COL12A1 protein (p.Pro1020Leu). This variant is not present in population databases (gnomAD no frequency). This variant has not been reported in the literature in individuals affected with COL12A1-related conditions. Invitae Evidence Modeling of protein sequence and biophysical properties (such as structural, functional, and spatial information, amino acid conservation, physicochemical variation, residue mobility, and thermodynamic stability) has been performed for this missense variant. However, the output from this modeling did not meet the statistical confidence thresholds required to predict the impact of this variant on COL12A1 protein function. In summary, the available evidence is currently insufficient to determine the role of this variant in disease. Therefore, it has been classified as a Variant of Uncertain Significance.